The following is an entry in ClinVar:

ClinVar aggregate classification (germline): Uncertain significance. Review status: criteria provided, multiple submitters, no conflicts (2 of 4 stars). 2 submissions from 2 submitters: Uncertain significance (2). Last evaluated 2024-05-19.

Allele frequency attached by ClinVar (database versions not stated): gnomAD exomes below 0.00001; ExAC 0.00001; gnomAD 0.00002; TOPMed 0.00002; ESP Exome Variant Server 0.00008.
gnomAD v4.1: 6 of 1,610,430 alleles (0.00037%); highest among the groups gnomAD compares: South Asian, 0.0022%; no homozygotes.

Submissions (2):

Labcorp Genetics (formerly Invitae), Labcorp
Classification: Uncertain significance. Last evaluated: 2024-05-19. Review status: criteria provided, single submitter. Criteria: Invitae Variant Classification Sherloc (09022015). Collection method: clinical testing. Allele origin: germline.
Comment: This sequence change replaces asparagine, which is neutral and polar, with serine, which is neutral and polar, at codon 78 of the CCT2 protein (p.Asn78Ser). This variant is present in population databases (rs200570835, gnomAD 0.002%). This variant has not been reported in the literature in individuals affected with CCT2-related conditions. An algorithm developed to predict the effect of missense changes on protein structure and function (PolyPhen-2) suggests that this variant is likely to be tolerated. In summary, the available evidence is currently insufficient to determine the role of this variant in disease. Therefore, it has been classified as a Variant of Uncertain Significance.

Ambry Genetics
Classification: Uncertain significance. Last evaluated: 2024-01-30. Review status: criteria provided, single submitter. Criteria: Ambry Variant Classification Scheme 2023. Collection method: clinical testing. Allele origin: germline.

NM_006431.3(CCT2):c.233A>G (p.Asn78Ser)

Gene: CCT2 (chaperonin containing TCP1 subunit 2; plus strand). Cytogenetic location: 12q15.
Variant type: single nucleotide variant.
Coding change: c.233A>G on transcript NM_006431.3 (MANE Select); coding-DNA position 233, A replaced by G.
Protein change: p.Asn78Ser; replaces asparagine 78 with serine.
Molecular consequence: missense variant.
Genome position (GRCh38, 1-based): chr12:69,587,593, A>G. VCF-style: chr12-69587593-A-G. GRCh37 (hg19) VCF-style: chr12-69981373-A-G.
Other names: c.92A>G, p.Asn31Ser (NM_001198842.2); short protein forms N78S, N31S.
Identifiers: ClinVar variation 3140162 (VCV003140162.3), dbSNP rs200570835, ClinGen allele CA6680495.